The following is an entry in ClinVar:

NM_001363540.2(DOCK4):c.5677G>A (p.Val1893Met)

Gene: DOCK4 (dedicator of cytokinesis 4; minus strand). Cytogenetic location: 7q31.1.
Variant type: single nucleotide variant.
Coding change: c.5677G>A on transcript NM_001363540.2 (MANE Select); coding-DNA position 5677, G replaced by A.
Protein change: p.Val1893Met; replaces valine 1893 with methionine.
Molecular consequence: missense variant.
Genome position (GRCh38, 1-based): chr7:111,728,525, C>T on the plus strand (G>A on the coding strand, the complement: DOCK4 is on the minus strand). VCF-style: chr7-111728525-C-T. GRCh37 (hg19) VCF-style: chr7-111368581-C-T.
Other names: c.5650G>A, p.Val1884Met (NM_014705.4); short protein forms V1884M, V1893M.
Identifiers: ClinVar variation 3778232 (VCV003778232.7).

ClinVar aggregate classification (germline): Likely benign (1 of 4 stars; one submission).

gnomAD v4.1: 71 of 1,613,434 alleles (0.0044%); highest among the groups gnomAD compares: South Asian, 0.0077%; 1 homozygote.

Submission:

CeGaT Center for Human Genetics Tuebingen
Classification: Likely benign. Last evaluated: 2025-03-01. Review status: criteria provided, single submitter. Criteria: CeGaT Center For Human Genetics Tuebingen Variant Classification Criteria Version 2. Collection method: clinical testing. Allele origin: germline. Affected: yes. Observed: 1 variant allele.
Comment: DOCK4: BP4